The following is an entry in ClinVar:

NM_014028.4(OSTM1):c.44C>T (p.Pro15Leu)

Genes: OSTM1 (osteoclastogenesis associated transmembrane protein 1; minus strand), LOC129996933 (ATAC-STARR-seq lymphoblastoid silent region 17446; plus strand). Cytogenetic location: 6q21.
Variant type: single nucleotide variant.
Coding change: c.44C>T on transcript NM_014028.4 (MANE Select); coding-DNA position 44, C replaced by T.
Protein change: p.Pro15Leu; replaces proline 15 with leucine.
Molecular consequence: missense variant.
Genome position (GRCh38, 1-based): chr6:108,074,608, G>A on the plus strand (C>T on the coding strand, the complement: OSTM1 is on the minus strand). VCF-style: chr6-108074608-G-A. GRCh37 (hg19) VCF-style: chr6-108395812-G-A.
Other names: short protein forms P15L.
Identifiers: ClinVar variation 1915480 (VCV001915480.2), dbSNP rs1364015140, ClinGen allele CA365331469.

ClinVar aggregate classification (germline): Uncertain significance (1 of 4 stars; one submission).

Allele frequency attached by ClinVar (database versions not stated): gnomAD 0.00002; TOPMed 0.00004.
gnomAD v4.1: 10 of 1,565,792 alleles (0.00064%); highest among the groups gnomAD compares: African/African-American, 0.0068%; no homozygotes.

Submission:

Labcorp Genetics (formerly Invitae), Labcorp
Classification: Uncertain significance. Last evaluated: 2021-12-27. Review status: criteria provided, single submitter. Criteria: Invitae Variant Classification Sherloc (09022015). Collection method: clinical testing. Allele origin: germline.
Comment: This sequence change replaces proline, which is neutral and non-polar, with leucine, which is neutral and non-polar, at codon 15 of the OSTM1 protein (p.Pro15Leu). The frequency data for this variant in the population databases is considered unreliable, as metrics indicate poor data quality at this position in the gnomAD database. This variant has not been reported in the literature in individuals affected with OSTM1-related conditions. Algorithms developed to predict the effect of missense changes on protein structure and function output the following: SIFT: "Tolerated"; PolyPhen-2: "Benign"; Align-GVGD: "Class C0". The leucine amino acid residue is found in multiple mammalian species, which suggests that this missense change does not adversely affect protein function. In summary, the available evidence is currently insufficient to determine the role of this variant in disease. Therefore, it has been classified as a Variant of Uncertain Significance.